The following is an entry in ClinVar:

ClinVar aggregate classification (germline): Uncertain significance (1 of 4 stars; one submission).

Conditions:
Hereditary cancer-predisposing syndrome. Also called: Tumor predisposition; Neoplastic Syndromes, Hereditary; Hereditary neoplastic syndrome; Hereditary Cancer Syndrome. Identifiers: Orphanet 140162, MedGen C0027672, MeSH D009386, MONDO:0015356.

Submission:

Ambry Genetics
Classification: Uncertain significance for Hereditary cancer-predisposing syndrome. Last evaluated: 2024-09-01. Review status: criteria provided, single submitter. Criteria: Ambry Variant Classification Scheme 2023. Collection method: clinical testing. Allele origin: germline.
Comment: The p.H125L variant (also known as c.374A>T), located in coding exon 3 of the XRCC2 gene, results from an A to T substitution at nucleotide position 374. The histidine at codon 125 is replaced by leucine, an amino acid with similar properties. This amino acid position is conserved. In addition, this alteration is predicted to be tolerated by in silico analysis. Based on the available evidence, the clinical significance of this variant remains unclear.

NM_005431.2(XRCC2):c.374A>T (p.His125Leu)

Gene: XRCC2 (X-ray repair cross complementing 2; minus strand). Cytogenetic location: 7q36.1.
Variant type: single nucleotide variant.
Coding change: c.374A>T on transcript NM_005431.2 (MANE Select); coding-DNA position 374, A replaced by T.
Protein change: p.His125Leu; replaces histidine 125 with leucine.
Molecular consequence: missense variant.
Genome position (GRCh38, 1-based): chr7:152,649,111, T>A on the plus strand (A>T on the coding strand, the complement: XRCC2 is on the minus strand). VCF-style: chr7-152649111-T-A. GRCh37 (hg19) VCF-style: chr7-152346196-T-A.
Other names: short protein forms H125L.
Identifiers: ClinVar variation 3471466 (VCV003471466.1).